The following is an entry in ClinVar:

NM_015937.6(PIGT):c.514C>T (p.Arg172Cys)

Gene: PIGT (phosphatidylinositol glycan anchor biosynthesis class T; plus strand). Cytogenetic location: 20q13.12.
Variant type: single nucleotide variant.
Coding change: c.514C>T on transcript NM_015937.6 (MANE Select); coding-DNA position 514, C replaced by T.
Protein change: p.Arg172Cys; replaces arginine 172 with cysteine.
Molecular consequence: missense variant. On other transcripts: non-coding transcript variant (3).
Genome position (GRCh38, 1-based): chr20:45,419,315, C>T. VCF-style: chr20-45419315-C-T. GRCh37 (hg19) VCF-style: chr20-44047955-C-T.
Other names: c.346C>T, p.Arg116Cys (NM_001184728.3); c.514C>T, p.Arg172Cys (NM_001184729.3); c.208C>T, p.Arg70Cys (NM_001184730.3); short protein forms R172C, R116C, R70C.
Identifiers: ClinVar variation 576072 (VCV000576072.51), dbSNP rs778531326, ClinGen allele CA9877918.

ClinVar aggregate classification (germline): Pathogenic/Likely pathogenic. Review status: criteria provided, multiple submitters, no conflicts (2 of 4 stars). 7 submissions from 7 submitters: Pathogenic (1); Likely pathogenic (5). 1 of the submissions does not count toward it. Last evaluated 2025-09-02.

Conditions:
PIGT-related disorder.
Multiple congenital anomalies-hypotonia-seizures syndrome 3 (MCAHS3). Also called: GLYCOSYLPHOSPHATIDYLINOSITOL BIOSYNTHESIS DEFECT 7. Identifiers: Orphanet 369837, MedGen C3809356, MONDO:0014165, OMIM 615398.

Allele frequency attached by ClinVar (database versions not stated): ExAC 0.00001; gnomAD exomes 0.00001; gnomAD 0.00002; TOPMed 0.00003.

Submissions (7):

Labcorp Genetics (formerly Invitae), Labcorp
Classification: Pathogenic for Multiple congenital anomalies-hypotonia-seizures syndrome 3. Last evaluated: 2025-09-02. Review status: criteria provided, single submitter. Criteria: Invitae Variant Classification Sherloc (09022015). Collection method: clinical testing. Allele origin: germline.
Comment: This sequence change replaces arginine, which is basic and polar, with cysteine, which is neutral and slightly polar, at codon 172 of the PIGT protein (p.Arg172Cys). This variant is present in population databases (rs778531326, gnomAD 0.01%). This missense change has been observed in individual(s) with clinical features of autosomal recessive multiple congenital anomalies-hypotonia-seizures syndrome (PMID: 32220244, 32404165, 36177944). In at least one individual the data is consistent with being in trans (on the opposite chromosome) from a pathogenic variant. ClinVar contains an entry for this variant (Variation ID: 576072). Invitae Evidence Modeling of protein sequence and biophysical properties (such as structural, functional, and spatial information, amino acid conservation, physicochemical variation, residue mobility, and thermodynamic stability) indicates that this missense variant is expected to disrupt PIGT protein function with a positive predictive value of 95%. For these reasons, this variant has been classified as Pathogenic.

GeneDx
Classification: Likely pathogenic. Last evaluated: 2025-07-13. Review status: criteria provided, single submitter. Criteria: GeneDx Variant Classification Process June 2021. Collection method: clinical testing. Allele origin: germline.
Comment: Observed multiple times with a second variant on the opposite allele (in trans) in unrelated patients with epilepsy and developmental delay in the published literature (PMID: 32220244, 32404165); Not observed at significant frequency in large population cohorts (gnomAD); In silico analysis supports that this missense variant has a deleterious effect on protein structure/function; This variant is associated with the following publications: (PMID: 36177944, 32404165, 32220244, 36970549)

Department of Pathology and Laboratory Medicine, Sinai Health System
Classification: Likely pathogenic for Multiple congenital anomalies-hypotonia-seizures syndrome 3. Last evaluated: 2023-05-11. Review status: criteria provided, single submitter. Criteria: ACMG Guidelines, 2015. Collection method: research. Allele origin: germline.

Blueprint Genetics
Classification: Likely pathogenic for PIGT-related disorders. Last evaluated: 2021-10-08. Review status: criteria provided, single submitter. Criteria: ACMG Guidelines, 2015. Collection method: clinical testing. Allele origin: germline. Affected: yes. Observed: 5 variant alleles.

CeGaT Center for Human Genetics Tuebingen
Classification: Likely pathogenic. Last evaluated: 2021-09-01. Review status: criteria provided, single submitter. Criteria: CeGaT Center For Human Genetics Tuebingen Variant Classification Criteria Version 2. Collection method: clinical testing. Allele origin: germline. Affected: yes. Observed: 2 variant alleles.

Mendelics
Classification: Likely pathogenic for Multiple congenital anomalies-hypotonia-seizures syndrome 3. Last evaluated: 2019-05-28. Review status: criteria provided, single submitter. Criteria: Mendelics Assertion Criteria 2017. Collection method: clinical testing. Allele origin: unknown.

OMIM
Classification: Pathogenic for MULTIPLE CONGENITAL ANOMALIES-HYPOTONIA-SEIZURES SYNDROME 3. Last evaluated: 2023-05-24. Review status: no assertion criteria provided. Collection method: literature only. Allele origin: germline. Not counted in ClinVar's aggregate classification.

Literature cited by the submitters: PubMed 32220244 (cited by Labcorp Genetics (formerly Invitae), Labcorp); PubMed 32404165 (cited by Labcorp Genetics (formerly Invitae), Labcorp); PubMed 36177944 (cited by Labcorp Genetics (formerly Invitae), Labcorp and OMIM).